The following is an entry in ClinVar:

ClinVar aggregate classification (germline): Uncertain significance (1 of 4 stars; one submission).

Conditions:
Christianson syndrome (MRXSCH). Also called: INTELLECTUAL DEVELOPMENTAL DISORDER, X-LINKED, SYNDROMIC, CHRISTIANSON TYPE; SLC9A6-Related Syndromic Mental Retardation; X-linked mental retardation, syndromic, Christianson type. Identifiers: Orphanet 85278, MedGen C2678194, MONDO:0010278, OMIM 300243.

gnomAD v4.1: 2 of 1,210,993 alleles (0.00017%); highest among the groups gnomAD compares: Middle Eastern, 0.023%; no homozygotes.

Submission:

Labcorp Genetics (formerly Invitae), Labcorp
Classification: Uncertain significance for Christianson syndrome. Last evaluated: 2021-12-14. Review status: criteria provided, single submitter. Criteria: Invitae Variant Classification Sherloc (09022015). Collection method: clinical testing. Allele origin: germline.
Comment: This variant has not been reported in the literature in individuals affected with SLC9A6-related conditions. This sequence change replaces methionine, which is neutral and non-polar, with threonine, which is neutral and polar, at codon 288 of the SLC9A6 protein (p.Met288Thr). This variant is not present in population databases (gnomAD no frequency). Algorithms developed to predict the effect of missense changes on protein structure and function are either unavailable or do not agree on the potential impact of this missense change (SIFT: "Deleterious"; PolyPhen-2: "Benign"; Align-GVGD: "Class C15"). In summary, the available evidence is currently insufficient to determine the role of this variant in disease. Therefore, it has been classified as a Variant of Uncertain Significance.

NM_001379110.1(SLC9A6):c.803T>C (p.Met268Thr)

Gene: SLC9A6 (solute carrier family 9 member A6; plus strand). Cytogenetic location: Xq26.3.
Variant type: single nucleotide variant.
Coding change: c.803T>C on transcript NM_001379110.1 (MANE Select); coding-DNA position 803, T replaced by C.
Protein change: p.Met268Thr; replaces methionine 268 with threonine.
Molecular consequence: missense variant.
Genome position (GRCh38, 1-based): chrX:136,010,501, T>C. VCF-style: chrX-136010501-T-C. GRCh37 (hg19) VCF-style: chrX-135092660-T-C.
Other names: c.959T>C, p.Met320Thr (NM_001042537.2); c.803T>C, p.Met268Thr (NM_001177651.2); c.707T>C, p.Met236Thr (NM_001330652.2); c.863T>C, p.Met288Thr (NM_006359.3); short protein forms M320T, M236T, M268T, M288T.
Identifiers: ClinVar variation 1445199 (VCV001445199.6), dbSNP rs2148169885, ClinGen allele CA414751218.
Genomic context (GRCh38, chrX:136,010,501, plus strand): 5'-GCTCAATAGTGGCATACCAGCCAGCTGGAGACAACAGTCACACCTTTGATGTCACAGCGA[T>C]GTTCAAGTCTATTGGGATCTTCCTTGGAATCTTCAGTGGATCTTTTGCAATGGGTGCTGC-3'
Protein context (NP_001366039.1, residues 258-278): DNSHTFDVTA[Met268Thr]FKSIGIFLGI